The following is an entry in ClinVar:

ClinVar aggregate classification (germline): Uncertain significance (1 of 4 stars; one submission).

Submission:

GeneDx
Classification: Uncertain significance. Last evaluated: 2026-02-10. Review status: criteria provided, single submitter. Criteria: GeneDx Variant Classification Process June 2021. Collection method: clinical testing. Allele origin: germline.
Comment: Not observed at significant frequency in large population cohorts (gnomAD); Frameshift variant predicted to result in protein truncation or nonsense mediated decay in a gene or region of a gene for which loss of function is not a well-established mechanism of disease; Has not been previously published as pathogenic or benign to our knowledge

NM_003458.4(BSN):c.2491_2497del (p.Pro831fs)

Gene: BSN (bassoon presynaptic cytomatrix protein; plus strand). Cytogenetic location: 3p21.31.
Variant type: Microsatellite.
Coding change: c.2491_2497del on transcript NM_003458.4 (MANE Select); coding-DNA positions 2491 to 2497, 7 bases deleted (CCAGCCC; older notation c.2491_2497delCCAGCCC).
Protein change: p.Pro831fs; shifts the reading frame from proline 831.
Molecular consequence: frameshift variant.
Genome position (GRCh38, 1-based): chr3:49,652,047-49,652,053, CCAGCCC deleted; deleting any 7 consecutive bases within chr3:49,652,038-49,652,053 gives the same sequence; the c. name uses the placement nearest the transcript's 3' end. VCF-style (leftmost placement, unchanged base first): chr3-49652037-ACCCCAGC-A. GRCh37 (hg19) VCF-style: chr3-49689470-ACCCCAGC-A.
Other names: short protein forms P831fs.
Identifiers: ClinVar variation 3900296 (VCV003900296.2).
Genomic context (GRCh38, chr3:49,652,037, plus strand): 5'-CAGCCAATTGAGGCACGACTATGTGGAGGACAGCAGTGAGGGTGGCCTGTCCCCTCTTCC[ACCCCAGC>A]CCCCAGCCCGGGCAGCAGAACTGACTGATGAGGATTTCATGCGACGGCAGATTCTCGAGA-3'